The following is an entry in ClinVar:

NM_018979.4(WNK1):c.4815G>C (p.Gln1605His)

Gene: WNK1 (WNK lysine deficient protein kinase 1; plus strand). Cytogenetic location: 12p13.33.
Variant type: single nucleotide variant.
Coding change: c.4815G>C on transcript NM_018979.4 (MANE Select); coding-DNA position 4815, G replaced by C.
Protein change: p.Gln1605His; replaces glutamine 1605 with histidine.
Molecular consequence: missense variant.
Genome position (GRCh38, 1-based): chr12:885,619, G>C. VCF-style: chr12-885619-G-C. GRCh37 (hg19) VCF-style: chr12-994785-G-C.
Other names: c.5595G>C, p.Gln1865His (NM_001184985.2); c.4074G>C, p.Gln1358His (NM_014823.3); c.5571G>C, p.Gln1857His (NM_213655.5); short protein forms Q1358H, Q1605H, Q1857H, Q1865H.
Identifiers: ClinVar variation 2506689 (VCV002506689.1), dbSNP rs2549050374, ClinGen allele CA383331986.

ClinVar aggregate classification (germline): Uncertain significance (1 of 4 stars; one submission).

Allele frequency attached by ClinVar (database versions not stated): gnomAD exomes below 0.00001.
gnomAD v4.1: 1 of 1,614,084 alleles (0.000062%); highest among the groups gnomAD compares: African/African-American, 0.0013%; no homozygotes.

Submission:

GeneDx
Classification: Uncertain significance. Last evaluated: 2022-12-22. Review status: criteria provided, single submitter. Criteria: GeneDx Variant Classification Process June 2021. Collection method: clinical testing. Allele origin: germline. Affected: yes.
Comment: Not observed at significant frequency in large population cohorts (gnomAD); In silico analysis supports that this missense variant has a deleterious effect on protein structure/function; Has not been previously published as pathogenic or benign to our knowledge